The following is an entry in ClinVar:

ClinVar aggregate classification (germline): Conflicting classifications of pathogenicity. Review status: criteria provided, conflicting classifications (1 of 4 stars). 8 submissions from 2 submitters: Uncertain significance (1); Benign (6); Likely benign (1). Last evaluated 2018-01-12.

Conditions:
Geleophysic dysplasia. Identifiers: Orphanet 2623, MedGen C3489726, MONDO:0000127.
Weill-Marchesani syndrome. Also called: WM Syndrome; Mesodermal dysmorphodystrophy congenital. Identifiers: Orphanet 3449, MedGen C0265313, MONDO:0018096.
Familial thoracic aortic aneurysm and aortic dissection (TAAD). Also called: Thoracic aortic aneurysms and dissections. Identifiers: Orphanet 91387, MedGen C4707243, MONDO:0019625.
Acromicric dysplasia (ACMICD). Also called: Acromicric skeletal dysplasia. Identifiers: Orphanet 969, MedGen C0265287, MONDO:0007055, OMIM 102370.
Stiff skin syndrome (SSKS). Identifiers: Orphanet 2833, MedGen C1861456, MONDO:0008492, OMIM 184900.
Ectopia lentis 1, isolated, autosomal dominant (ECTOL1). Identifiers: Orphanet 1885, MedGen C3541518, MONDO:0007514, OMIM 129600.
Marfan syndrome (MFS). Also called: FBN1-Related Marfan Syndrome; MARFAN SYNDROME, TYPE I; Marfan syndrome, classic; Marfan syndrome type 1; Marfan's syndrome. Identifiers: Orphanet 284963, Orphanet 558, MedGen C0024796, MONDO:0007947, OMIM 154700.

Allele frequency attached by ClinVar (database versions not stated): 1000 Genomes Project 30x 0.00125; gnomAD 0.00145 and 0.00132; TOPMed 0.00153; 1000 Genomes Project 0.00100; gnomAD exomes 0.00007.
gnomAD v4.1: 224 of 479,144 alleles (0.047%); highest among the groups gnomAD compares: African/African-American, 0.44%; 2 homozygotes.

Submissions (8):

Illumina Laboratory Services, Illumina
Classification: Benign for Geleophysic dysplasia. Last evaluated: 2018-01-12. Review status: criteria provided, single submitter. Criteria: ICSL Variant Classification Criteria 13 December 2019. Collection method: clinical testing. Allele origin: germline.
Comment: This variant was observed in the ICSL laboratory as part of a predisposition screen in an ostensibly healthy population. It had not been previously curated by ICSL or reported in the Human Gene Mutation Database (HGMD: prior to June 1st, 2018), and was therefore a candidate for classification through an automated scoring system. Utilizing variant allele frequency, disease prevalence and penetrance estimates, and inheritance mode, an automated score was calculated to assess if this variant is too frequent to cause the disease. Based on the score and internal cut-off values, a variant classified as benign is not then subjected to further curation. The score for this variant resulted in a classification of benign for this disease.

Illumina Laboratory Services, Illumina
Classification: Benign for Weill-Marchesani syndrome. Last evaluated: 2018-01-12. Review status: criteria provided, single submitter. Criteria: ICSL Variant Classification Criteria 13 December 2019. Collection method: clinical testing. Allele origin: germline.
Comment: the same text as in the submission from Illumina Laboratory Services, Illumina above.

Illumina Laboratory Services, Illumina
Classification: Benign for Ectopia lentis 1, isolated, autosomal dominant. Last evaluated: 2018-01-12. Review status: criteria provided, single submitter. Criteria: ICSL Variant Classification Criteria 13 December 2019. Collection method: clinical testing. Allele origin: germline.
Comment: the same text as in the submission from Illumina Laboratory Services, Illumina above.

Illumina Laboratory Services, Illumina
Classification: Likely benign for Marfan syndrome. Last evaluated: 2018-01-12. Review status: criteria provided, single submitter. Criteria: ICSL Variant Classification Criteria 13 December 2019. Collection method: clinical testing. Allele origin: germline.
Comment: This variant was observed in the ICSL laboratory as part of a predisposition screen in an ostensibly healthy population. It had not been previously curated by ICSL or reported in the Human Gene Mutation Database (HGMD: prior to June 1st, 2018), and was therefore a candidate for classification through an automated scoring system. Utilizing variant allele frequency, disease prevalence and penetrance estimates, and inheritance mode, an automated score was calculated to assess if this variant is too frequent to cause the disease. Based on the score and internal cut-off values, a variant classified as likely benign is not then subjected to further curation. The score for this variant resulted in a classification of likely benign for this disease.

Illumina Laboratory Services, Illumina
Classification: Benign for Stiff skin syndrome. Last evaluated: 2018-01-12. Review status: criteria provided, single submitter. Criteria: ICSL Variant Classification Criteria 13 December 2019. Collection method: clinical testing. Allele origin: germline.
Comment: the same text as in the submission from Illumina Laboratory Services, Illumina above.

Illumina Laboratory Services, Illumina
Classification: Benign for Acromicric dysplasia. Last evaluated: 2018-01-12. Review status: criteria provided, single submitter. Criteria: ICSL Variant Classification Criteria 13 December 2019. Collection method: clinical testing. Allele origin: germline.
Comment: the same text as in the submission from Illumina Laboratory Services, Illumina above.

Illumina Laboratory Services, Illumina
Classification: Uncertain significance for Familial thoracic aortic aneurysm and aortic dissection. Last evaluated: 2018-01-12. Review status: criteria provided, single submitter. Criteria: ICSL Variant Classification Criteria 13 December 2019. Collection method: clinical testing. Allele origin: germline.

GeneDx
Classification: Benign. Last evaluated: 2014-05-21. Review status: criteria provided, single submitter. Criteria: GeneDx Variant Classification (06012015). Collection method: clinical testing. Allele origin: germline. Affected: yes.
Comment: This variant is considered likely benign or benign based on one or more of the following criteria: it is a conservative change, it occurs at a poorly conserved position in the protein, it is predicted to be benign by multiple in silico algorithms, and/or has population frequency not consistent with disease.

NM_000138.5(FBN1):c.-176A>T

Genes: FBN1 (fibrillin 1; minus strand), LOC130057020 (ATAC-STARR-seq lymphoblastoid silent region 6418; plus strand). Cytogenetic location: 15q21.1.
Variant type: single nucleotide variant.
Coding change: c.-176A>T on transcript NM_000138.5 (MANE Select); 176 bases upstream of the start codon, A replaced by T.
Molecular consequence: 5 prime UTR variant.
Genome position (GRCh38, 1-based): chr15:48,644,945, T>A on the plus strand (A>T on the coding strand, the complement: FBN1 is on the minus strand). VCF-style: chr15-48644945-T-A. GRCh37 (hg19) VCF-style: chr15-48937142-T-A.
Identifiers: ClinVar variation 137300 (VCV000137300.5), dbSNP rs560004254, ClinGen allele CA012556.